The following is an entry in ClinVar:

ClinVar aggregate classification (germline): Benign. Review status: criteria provided, multiple submitters, no conflicts (2 of 4 stars). 2 submissions from 2 submitters: Benign (2). Last evaluated 2018-06-14.

Allele frequency attached by ClinVar (database versions not stated): gnomAD exomes 0.00456; gnomAD 0.04573 and 0.04906; 1000 Genomes Project 0.05012; TOPMed 0.05064; 1000 Genomes Project 30x 0.05450.
gnomAD v4.1: 13,398 of 1,507,956 alleles (0.89%); highest among the groups gnomAD compares: African/African-American, 15%; 941 homozygotes.

Submissions (2):

GeneDx
Classification: Benign. Last evaluated: 2018-06-14. Review status: criteria provided, single submitter. Criteria: GeneDx Variant Classification (06012015). Collection method: clinical testing. Allele origin: germline. Affected: yes.
Comment: This variant is considered likely benign or benign based on one or more of the following criteria: it is a conservative change, it occurs at a poorly conserved position in the protein, it is predicted to be benign by multiple in silico algorithms, and/or has population frequency not consistent with disease.

Breakthrough Genomics
Classification: Benign. Review status: criteria provided, single submitter. Criteria: ACMG Guidelines, 2015. Collection method: not provided. Allele origin: germline. Inheritance: Autosomal recessive inheritance. Affected: yes.

NM_002633.3(PGM1):c.247-6087T>G

Gene: PGM1 (phosphoglucomutase 1; plus strand). Cytogenetic location: 1p31.3.
Variant type: single nucleotide variant.
Coding change: c.247-6087T>G on transcript NM_002633.3 (MANE Select); 6087 bases into the intron before coding-DNA position 247, T replaced by G.
Molecular consequence: intron variant. On other transcripts: 5 prime UTR variant (1).
Genome position (GRCh38, 1-based): chr1:63,623,338, T>G. VCF-style: chr1-63623338-T-G. GRCh37 (hg19) VCF-style: chr1-64089009-T-G.
Other names: c.-123T>G (NM_001172818.1); c.-345-6087T>G (NM_001172819.2).
Identifiers: ClinVar variation 676253 (VCV000676253.2), dbSNP rs72920860, ClinGen allele CA10923935.